The following is an entry in ClinVar:

ClinVar aggregate classification (germline): Uncertain significance (1 of 4 stars; one submission).

Submission:

Laboratorio de Genetica e Diagnostico Molecular, Hospital Israelita Albert Einstein
Classification: Uncertain significance. Last evaluated: 2021-09-13. Review status: criteria provided, single submitter. Criteria: ACMG Guidelines, 2015. Collection method: clinical testing. Allele origin: germline. Affected: yes.
Comment: ACMG classification criteria: PM2, BP4

NM_001020658.2(PUM1):c.3101A>G (p.His1034Arg)

Gene: PUM1 (pumilio RNA binding family member 1; minus strand). Cytogenetic location: 1p35.2.
Variant type: single nucleotide variant.
Coding change: c.3101A>G on transcript NM_001020658.2 (MANE Select); coding-DNA position 3101, A replaced by G.
Protein change: p.His1034Arg; replaces histidine 1034 with arginine.
Molecular consequence: missense variant.
Genome position (GRCh38, 1-based): chr1:30,942,017, T>C on the plus strand (A>G on the coding strand, the complement: PUM1 is on the minus strand). VCF-style: chr1-30942017-T-C. GRCh37 (hg19) VCF-style: chr1-31414864-T-C.
Other names: c.3095A>G, p.His1032Arg (NM_014676.3); short protein forms H1032R, H1034R.
Identifiers: ClinVar variation 1690434 (VCV001690434.2), dbSNP rs2124389959, ClinGen allele CA339561996.
Genomic context (GRCh38, chr1:30,942,017, plus strand): 5'-CCCACAGGTGTTCGCAGTTCCTCTACTGGCAACTCCACTACCTGTACAAGCTGCTCTGTG[T>C]GCTGGTGAAGCTCCTCTAAAATAGGGAGTGTCTGGTCAGGGAGACAGTGCTCCAGGATTC-3'
Protein context (NP_001018494.1, residues 1024-1044): TLPILEELHQ[His1034Arg]TEQLVQDQYG